The following is an entry in ClinVar:

ClinVar aggregate classification (germline): Uncertain significance (1 of 4 stars; one submission).

Conditions:
Hereditary cancer-predisposing syndrome. Also called: Neoplastic Syndromes, Hereditary; Tumor predisposition; Hereditary Cancer Syndrome; Hereditary neoplastic syndrome. Identifiers: Orphanet 140162, MedGen C0027672, MeSH D009386, MONDO:0015356.

gnomAD v4.1: 2 of 1,613,584 alleles (0.00012%); highest among the groups gnomAD compares: Non-Finnish European, 0.00017%; no homozygotes.

Submission:

Ambry Genetics
Classification: Uncertain significance for Hereditary cancer-predisposing syndrome. Last evaluated: 2025-12-03. Review status: criteria provided, single submitter. Criteria: Ambry Variant Classification Scheme 2023. Collection method: clinical testing. Allele origin: germline.
Comment: The p.P167L variant (also known as c.500C>T), located in coding exon 4 of the BARD1 gene, results from a C to T substitution at nucleotide position 500. The proline at codon 167 is replaced by leucine, an amino acid with similar properties. This amino acid position is well conserved in available vertebrate species. In addition, the in silico prediction for this alteration is inconclusive. Based on the available evidence, the clinical significance of this variant remains unclear.

NM_000465.4(BARD1):c.500C>T (p.Pro167Leu)

Gene: BARD1 (BRCA1 associated RING domain 1; minus strand). Cytogenetic location: 2q35.
Variant type: single nucleotide variant.
Coding change: c.500C>T on transcript NM_000465.4 (MANE Select); coding-DNA position 500, C replaced by T.
Protein change: p.Pro167Leu; replaces proline 167 with leucine.
Molecular consequence: missense variant. On other transcripts: non-coding transcript variant (2), intron variant (3).
Genome position (GRCh38, 1-based): chr2:214,781,374, G>A on the plus strand (C>T on the coding strand, the complement: BARD1 is on the minus strand). VCF-style: chr2-214781374-G-A. GRCh37 (hg19) VCF-style: chr2-215646098-G-A.
Other names: c.443C>T, p.Pro148Leu (NM_001282543.2); c.158+28038C>T (NM_001282548.2); c.215+15687C>T (NM_001282545.2); c.364+10923C>T (NM_001282549.2); short protein forms P148L, P167L.
Identifiers: ClinVar variation 4621827 (VCV004621827.1).